The following is an entry in ClinVar:

ClinVar aggregate classification (germline): Uncertain significance (1 of 4 stars; one submission).

Conditions:
RPGRIP1L-related disorder. Also called: RPGRIP1L-related condition; RPGRIP1L-related disorders. Identifiers: MedGen CN239416.

gnomAD v4.1: 25 of 1,611,946 alleles (0.0016%); highest among the groups gnomAD compares: Non-Finnish European, 0.002%; no homozygotes.

Submission:

PreventionGenetics, part of Exact Sciences
Classification: Uncertain significance for RPGRIP1L-related condition. Last evaluated: 2025-10-24. Review status: criteria provided, single submitter. Criteria: ACMG Guidelines, 2015. Collection method: clinical testing. Allele origin: germline.
Comment: The RPGRIP1L c.1217T>C variant is predicted to result in the amino acid substitution p.Ile406Thr. To our knowledge, this variant has not been reported in the literature. This variant is reported in 0.0018% of alleles in individuals of European (Non-Finnish) descent in gnomAD. At this time, the clinical significance of this variant is uncertain due to the absence of conclusive functional and genetic evidence.

NM_015272.5(RPGRIP1L):c.1217T>C (p.Ile406Thr)

Gene: RPGRIP1L (RPGRIP1 like; minus strand). Cytogenetic location: 16q12.2.
Variant type: single nucleotide variant.
Coding change: c.1217T>C on transcript NM_015272.5 (MANE Select); coding-DNA position 1217, T replaced by C.
Protein change: p.Ile406Thr; replaces isoleucine 406 with threonine.
Molecular consequence: missense variant.
Genome position (GRCh38, 1-based): chr16:53,664,896, A>G on the plus strand (T>C on the coding strand, the complement: RPGRIP1L is on the minus strand). VCF-style: chr16-53664896-A-G. GRCh37 (hg19) VCF-style: chr16-53698808-A-G.
Other names: c.1217T>C, p.Ile406Thr (NM_001127897.4, NM_001308334.3, NM_001330538.2); short protein forms I406T.
Identifiers: ClinVar variation 4977211 (VCV004977211.1).